The following is an entry in ClinVar:

NM_024664.4(PPCS):c.612G>A (p.Gln204=)

Genes: CCDC30 (coiled-coil domain containing 30; plus strand), PPCS (phosphopantothenoylcysteine synthetase; plus strand). Cytogenetic location: 1p34.2.
Variant type: single nucleotide variant.
Coding change: c.612G>A on transcript NM_024664.4 (MANE Select); coding-DNA position 612, G replaced by A.
Protein change: p.Gln204=; no amino-acid change (glutamine 204 retained).
Molecular consequence: synonymous variant. On other transcripts: 5 prime UTR variant (2).
Genome position (GRCh38, 1-based): chr1:42,457,350, G>A. VCF-style: chr1-42457350-G-A. GRCh37 (hg19) VCF-style: chr1-42923021-G-A.
Other names: c.-880G>A (NM_001355226.2); c.93G>A, p.Gln31= (NM_001077447.3, NM_001287506.1, NM_001287508.2 and 2 more transcripts); c.-224G>A (NM_001287507.1); c.612G>A, p.Gln204= (NM_001287511.2).
Identifiers: ClinVar variation 2695892 (VCV002695892.4), dbSNP rs2522611244, ClinGen allele CA339948336.

ClinVar aggregate classification (germline): Uncertain significance (1 of 4 stars; one submission).

Submissions (2):

Labcorp Genetics (formerly Invitae), Labcorp
Classification: Uncertain significance. Last evaluated: 2023-11-14. Review status: criteria provided, single submitter. Criteria: Invitae Variant Classification Sherloc (09022015). Collection method: clinical testing. Allele origin: germline.
Comment: This sequence change affects codon 204 of the PPCS mRNA. It is a 'silent' change, meaning that it does not change the encoded amino acid sequence of the PPCS protein. This variant also falls at the last nucleotide of exon 2, which is part of the consensus splice site for this exon. This variant is not present in population databases (gnomAD no frequency). This variant has not been reported in the literature in individuals affected with PPCS-related conditions. Variants that disrupt the consensus splice site are a relatively common cause of aberrant splicing (PMID: 17576681, 9536098). Algorithms developed to predict the effect of sequence changes on RNA splicing suggest that this variant may disrupt the consensus splice site. In summary, the available evidence is currently insufficient to determine the role of this variant in disease. Therefore, it has been classified as a Variant of Uncertain Significance.

Dr. Peter K. Rogan Lab, Western University
No classification provided (evidence only). Condition: Uterine corpus endometrial carcinoma. Review status: no classification provided. Collection method: in vitro. Allele origin: not applicable. Functional consequence: retained intron. Not counted in ClinVar's aggregate classification.

Literature cited by the submitters: PubMed 17576681 (cited by Labcorp Genetics (formerly Invitae), Labcorp); PubMed 9536098 (cited by Labcorp Genetics (formerly Invitae), Labcorp).